The following is an entry in ClinVar:

NM_144997.7(FLCN):c.1627G>A (p.Glu543Lys)

Gene: FLCN (folliculin; minus strand). Cytogenetic location: 17p11.2.
Variant type: single nucleotide variant.
Coding change: c.1627G>A on transcript NM_144997.7 (MANE Select); coding-DNA position 1627, G replaced by A.
Protein change: p.Glu543Lys; replaces glutamic acid 543 with lysine.
Molecular consequence: missense variant.
Genome position (GRCh38, 1-based): chr17:17,213,768, C>T on the plus strand (G>A on the coding strand, the complement: FLCN is on the minus strand). VCF-style: chr17-17213768-C-T. GRCh37 (hg19) VCF-style: chr17-17117082-C-T.
Other names: c.1627G>A (LRG_325t1); c.1681G>A, p.Glu561Lys (NM_001353229.2); c.1627G>A, p.Glu543Lys (NM_001353230.2, NM_001353231.2); short protein forms E543K, E561K.
Identifiers: ClinVar variation 579044 (VCV000579044.13), dbSNP rs776389684, ClinGen allele CA8415925.

ClinVar aggregate classification (germline): Conflicting classifications of pathogenicity. Review status: criteria provided, conflicting classifications (1 of 4 stars). 3 submissions from 3 submitters: Uncertain significance (2); Likely benign (1). Last evaluated 2024-11-06.

Conditions:
Hereditary cancer-predisposing syndrome. Also called: Hereditary neoplastic syndrome; Tumor predisposition; Hereditary Cancer Syndrome; Neoplastic Syndromes, Hereditary. Identifiers: Orphanet 140162, MedGen C0027672, MeSH D009386, MONDO:0015356.
Birt-Hogg-Dube syndrome. Also called: Birt Hogg Dubé syndrome. Identifiers: Orphanet 122, MedGen C0346010, MONDO:0800444.

Allele frequency attached by ClinVar (database versions not stated): ExAC 0.00001; gnomAD 0.00001; gnomAD exomes 0.00001 and 0.00002.
gnomAD v4.1: 12 of 1,614,104 alleles (0.00074%); highest among the groups gnomAD compares: African/African-American, 0.0027%; no homozygotes.

Submissions (3):

Labcorp Genetics (formerly Invitae), Labcorp
Classification: Uncertain significance for Birt-Hogg-Dube syndrome. Last evaluated: 2024-11-06. Review status: criteria provided, single submitter. Criteria: Invitae Variant Classification Sherloc (09022015). Collection method: clinical testing. Allele origin: germline.
Comment: This sequence change replaces glutamic acid, which is acidic and polar, with lysine, which is basic and polar, at codon 543 of the FLCN protein (p.Glu543Lys). This variant is present in population databases (rs776389684, gnomAD 0.008%). This variant has not been reported in the literature in individuals affected with FLCN-related conditions. ClinVar contains an entry for this variant (Variation ID: 579044). Invitae Evidence Modeling of protein sequence and biophysical properties (such as structural, functional, and spatial information, amino acid conservation, physicochemical variation, residue mobility, and thermodynamic stability) indicates that this missense variant is not expected to disrupt FLCN protein function with a negative predictive value of 80%. In summary, the available evidence is currently insufficient to determine the role of this variant in disease. Therefore, it has been classified as a Variant of Uncertain Significance.

Baylor Genetics
Classification: Uncertain significance for Birt-Hogg-Dube syndrome 1. Last evaluated: 2023-08-06. Review status: criteria provided, single submitter. Criteria: ACMG Guidelines, 2015. Collection method: clinical testing. Allele origin: unknown.

Ambry Genetics
Classification: Likely benign for Hereditary cancer-predisposing syndrome. Last evaluated: 2023-08-03. Review status: criteria provided, single submitter. Criteria: Ambry Variant Classification Scheme 2023. Collection method: clinical testing. Allele origin: germline.